The following is an entry in ClinVar:

NM_014946.4(SPAST):c.1155G>A (p.Gly385=)

Gene: SPAST (spastin; plus strand). Cytogenetic location: 2p22.3.
Variant type: single nucleotide variant.
Coding change: c.1155G>A on transcript NM_014946.4 (MANE Select); coding-DNA position 1155, G replaced by A.
Protein change: p.Gly385=; no amino-acid change (glycine 385 retained).
Molecular consequence: synonymous variant.
Genome position (GRCh38, 1-based): chr2:32,127,004, G>A. VCF-style: chr2-32127004-G-A. GRCh37 (hg19) VCF-style: chr2-32352073-G-A.
Other names: p.Gly385=; c.1152G>A, p.Gly384= (NM_001363823.2); c.1056G>A, p.Gly352= (NM_001363875.2); c.1059G>A, p.Gly353= (NM_001377959.1, NM_199436.2); c.1155G>A (NM_014946.3).
Identifiers: ClinVar variation 1146758 (VCV001146758.11), dbSNP rs778305717, ClinGen allele CA1600810.
Genomic context (GRCh38, chr2:32,127,004, plus strand): 5'-TTAGTTGTTCACAGGGCTTAGAGCTCCTGCCAGAGGGCTGTTACTCTTTGGTCCACCTGG[G>A]AATGGGAAGACAATGCTGGTAAGGGTTCTCTTCAAATTTGAGTTTTCTGTTGAGATATTT-3'
Protein context (NP_055761.2, residues 375-395): ARGLLLFGPP[Gly385=]NGKTMLAKAV

ClinVar aggregate classification (germline): Likely benign. Review status: criteria provided, multiple submitters, no conflicts (2 of 4 stars). 3 submissions from 3 submitters: Likely benign (3). Last evaluated 2025-12-13.

Conditions:
Hereditary spastic paraplegia 4. Also called: Spastic paraplegia 4, autosomal dominant; Familial spastic paraplegia autosomal dominant 2; Spastic Paraplegia 4. Identifiers: Orphanet 100985, MedGen C1866855, MONDO:0008438, OMIM 182601.

Allele frequency attached by ClinVar (database versions not stated): ExAC 0.00006; gnomAD exomes 0.00006; TOPMed 0.00006; gnomAD 0.00008 and 0.00009.
gnomAD v4.1: 282 of 1,611,924 alleles (0.017%); highest among the groups gnomAD compares: Non-Finnish European, 0.023%; no homozygotes.

Submissions (3):

Labcorp Genetics (formerly Invitae), Labcorp
Classification: Likely benign for Hereditary spastic paraplegia 4. Last evaluated: 2025-12-13. Review status: criteria provided, single submitter. Criteria: Invitae Variant Classification Sherloc (09022015). Collection method: clinical testing. Allele origin: germline.

Mayo Clinic Laboratories, Mayo Clinic
Classification: Likely benign. Last evaluated: 2025-08-11. Review status: criteria provided, single submitter. Criteria: ACMG Guidelines, 2015. Collection method: clinical testing. Allele origin: germline. Observed: 2 variant alleles.
Comment: BS2, BP4, BP7

Blueprint Genetics
Classification: Likely benign. Last evaluated: 2024-08-12. Review status: criteria provided, single submitter. Criteria: ACMG Guidelines, 2015. Collection method: clinical testing. Allele origin: germline.